The following is an entry in ClinVar:

ClinVar aggregate classification (germline): Uncertain significance (1 of 4 stars; one submission).

Conditions:
Aicardi-Goutieres syndrome 5. Identifiers: Orphanet 51, MedGen C2749659, MONDO:0013059, OMIM 612952.

Allele frequency attached by ClinVar (database versions not stated): gnomAD exomes 0.00001.
gnomAD v4.1: 5 of 1,613,890 alleles (0.00031%); highest among the groups gnomAD compares: East Asian, 0.0045%; no homozygotes.

Submission:

Labcorp Genetics (formerly Invitae), Labcorp
Classification: Uncertain significance for Aicardi-Goutieres syndrome 5. Last evaluated: 2022-04-20. Review status: criteria provided, single submitter. Criteria: Invitae Variant Classification Sherloc (09022015). Collection method: clinical testing. Allele origin: germline.
Comment: This sequence change replaces lysine, which is basic and polar, with asparagine, which is neutral and polar, at codon 512 of the SAMHD1 protein (p.Lys512Asn). This variant is present in population databases (no rsID available, gnomAD 0.01%). This variant has not been reported in the literature in individuals affected with SAMHD1-related conditions. Algorithms developed to predict the effect of missense changes on protein structure and function output the following: SIFT: "Deleterious"; PolyPhen-2: "Benign"; Align-GVGD: "Class C0". The asparagine amino acid residue is found in multiple mammalian species, which suggests that this missense change does not adversely affect protein function. In summary, the available evidence is currently insufficient to determine the role of this variant in disease. Therefore, it has been classified as a Variant of Uncertain Significance.

NM_015474.4(SAMHD1):c.1536G>T (p.Lys512Asn)

Gene: SAMHD1 (SAM and HD domain containing deoxynucleoside triphosphate triphosphohydrolase 1; minus strand). Cytogenetic location: 20q11.23.
Variant type: single nucleotide variant.
Coding change: c.1536G>T on transcript NM_015474.4 (MANE Select); coding-DNA position 1536, G replaced by T.
Protein change: p.Lys512Asn; replaces lysine 512 with asparagine.
Molecular consequence: missense variant. On other transcripts: intron variant (1).
Genome position (GRCh38, 1-based): chr20:36,898,512, C>A on the plus strand (G>T on the coding strand, the complement: SAMHD1 is on the minus strand). VCF-style: chr20-36898512-C-A. GRCh37 (hg19) VCF-style: chr20-35526915-C-A.
Other names: c.1536G>T, p.Lys512Asn (NM_001363733.2); c.1504-553G>T (NM_001363729.2); short protein forms K512N.
Identifiers: ClinVar variation 2154692 (VCV002154692.1), dbSNP rs999709360, ClinGen allele CA314281827.